The following is an entry in ClinVar:

NM_001355436.2(SPTB):c.6242T>C (p.Ile2081Thr)

Gene: SPTB (spectrin beta, erythrocytic; minus strand). Cytogenetic location: 14q23.3.
Variant type: single nucleotide variant.
Coding change: c.6242T>C on transcript NM_001355436.2 (MANE Select); coding-DNA position 6242, T replaced by C.
Protein change: p.Ile2081Thr; replaces isoleucine 2081 with threonine.
Molecular consequence: missense variant.
Genome position (GRCh38, 1-based): chr14:64,767,330, A>G on the plus strand (T>C on the coding strand, the complement: SPTB is on the minus strand). VCF-style: chr14-64767330-A-G. GRCh37 (hg19) VCF-style: chr14-65234048-A-G.
Other names: p.Ile2081Thr; c.6242T>C, p.Ile2081Thr (NM_001024858.4, NM_001355437.2); short protein forms I2081T.
Identifiers: ClinVar variation 2744831 (VCV002744831.5), dbSNP rs146990471, ClinGen allele CA7229716.

ClinVar aggregate classification (germline): Conflicting classifications of pathogenicity. Review status: criteria provided, conflicting classifications (1 of 4 stars). 3 submissions from 3 submitters: Uncertain significance (1); Likely benign (2). Last evaluated 2025-05-07.

Allele frequency attached by ClinVar (database versions not stated): gnomAD 0.00011; TOPMed 0.00015; gnomAD exomes 0.00017; ExAC 0.00023.
gnomAD v4.1: 260 of 1,613,972 alleles (0.016%); highest among the groups gnomAD compares: Admixed American, 0.085%; 1 homozygote.

Submissions (3):

Mayo Clinic Laboratories, Mayo Clinic
Classification: Uncertain significance. Last evaluated: 2025-05-07. Review status: criteria provided, single submitter. Criteria: ACMG Guidelines, 2015. Collection method: clinical testing. Allele origin: germline. Observed: 2 variant alleles.
Comment: BP4_moderate, PM2_supporting

Labcorp Genetics (formerly Invitae), Labcorp
Classification: Likely benign. Last evaluated: 2024-08-08. Review status: criteria provided, single submitter. Criteria: Invitae Variant Classification Sherloc (09022015). Collection method: clinical testing. Allele origin: germline.

ARUP Laboratories, Molecular Genetics and Genomics, ARUP Laboratories
Classification: Likely benign. Last evaluated: 2024-03-27. Review status: criteria provided, single submitter. Criteria: ARUP Molecular Germline Variant Investigation Process 2024. Collection method: clinical testing. Allele origin: germline.

Literature cited by the submitters: PubMed 38319988 (cited by Mayo Clinic Laboratories, Mayo Clinic).